The following is an entry in ClinVar:

ClinVar aggregate classification (germline): Uncertain significance. Review status: criteria provided, multiple submitters, no conflicts (2 of 4 stars). 2 submissions from 2 submitters: Uncertain significance (2). Last evaluated 2022-09-12.

Conditions:
Neuropathy, hereditary sensory and autonomic, type 2A (HSAN2A). Also called: WNK1-Related HSAN2 (HSAN2A); MORVAN DISEASE; NEUROPATHY, CONGENITAL SENSORY; NEUROPATHY, HEREDITARY SENSORY RADICULAR, AUTOSOMAL RECESSIVE; NEUROPATHY, HEREDITARY SENSORY, TYPE IIA; NEUROPATHY, PROGRESSIVE SENSORY, OF CHILDREN. Identifiers: Orphanet 970, MedGen C2752089, MONDO:0024309, OMIM 201300.
Neuropathy, hereditary sensory and autonomic, type 2B (HSAN2B). Also called: RETREG1-Related HSAN2 (HSAN2B). Identifiers: Orphanet 970, MedGen C2751092, MONDO:0013142, OMIM 613115.

Allele frequency attached by ClinVar (database versions not stated): gnomAD exomes below 0.00001 and 0.00002; ExAC 0.00001; ESP Exome Variant Server 0.00009.

Submissions (2):

Labcorp Genetics (formerly Invitae), Labcorp
Classification: Uncertain significance. Last evaluated: 2022-09-12. Review status: criteria provided, single submitter. Criteria: Invitae Variant Classification Sherloc (09022015). Collection method: clinical testing. Allele origin: germline.
Comment: This variant is present in population databases (rs370636928, gnomAD 0.0009%). This sequence change replaces arginine, which is basic and polar, with threonine, which is neutral and polar, at codon 268 of the RETREG1 protein (p.Arg268Thr). This variant has not been reported in the literature in individuals affected with RETREG1-related conditions. In summary, the available evidence is currently insufficient to determine the role of this variant in disease. Therefore, it has been classified as a Variant of Uncertain Significance. Advanced modeling of protein sequence and biophysical properties (such as structural, functional, and spatial information, amino acid conservation, physicochemical variation, residue mobility, and thermodynamic stability) performed at Invitae indicates that this missense variant is not expected to disrupt RETREG1 protein function. ClinVar contains an entry for this variant (Variation ID: 657530).

Fulgent Genetics
Classification: Uncertain significance for Neuropathy, hereditary sensory and autonomic, type 2A; Neuropathy, hereditary sensory and autonomic, type 2B. Last evaluated: 2021-07-15. Review status: criteria provided, single submitter. Criteria: ACMG Guidelines, 2015. Collection method: clinical testing. Allele origin: unknown.

NM_001034850.3(RETREG1):c.803G>C (p.Arg268Thr)

Gene: RETREG1 (reticulophagy regulator 1; minus strand). Cytogenetic location: 5p15.1.
Variant type: single nucleotide variant.
Coding change: c.803G>C on transcript NM_001034850.3 (MANE Select); coding-DNA position 803, G replaced by C.
Protein change: p.Arg268Thr; replaces arginine 268 with threonine.
Molecular consequence: missense variant.
Genome position (GRCh38, 1-based): chr5:16,478,855, C>G on the plus strand (G>C on the coding strand, the complement: RETREG1 is on the minus strand). VCF-style: chr5-16478855-C-G. GRCh37 (hg19) VCF-style: chr5-16478964-C-G.
Other names: c.380G>C, p.Arg127Thr (NM_019000.5); short protein forms R268T, R127T.
Identifiers: ClinVar variation 657530 (VCV000657530.9), dbSNP rs370636928, ClinGen allele CA3210346.
Genomic context (GRCh38, chr5:16,478,855, plus strand): 5'-TAGCTCGCTAATGTCTCATTTCATGCATAGAATCTAAAATATAAACTTTACCTACCAGAT[C>G]TCTCACGTTTCTTCTGATTAATATATTCTCCAATTCCAAAATCCAGTTTCAGCAGAACTG-3'
Protein context (NP_001030022.1, residues 258-278): GEYINQKKRE[Arg268Thr]SEADKEKSHK